The following is an entry in ClinVar:

ClinVar aggregate classification (germline): Pathogenic (1 of 4 stars; one submission).

Submission:

Labcorp Genetics (formerly Invitae), Labcorp
Classification: Pathogenic. Last evaluated: 2024-11-23. Review status: criteria provided, single submitter. Criteria: Invitae Variant Classification Sherloc (09022015). Collection method: clinical testing. Allele origin: germline.
Comment: This sequence change creates a premature translational stop signal (p.Tyr530Trpfs*42) in the NDUFS1 gene. It is expected to result in an absent or disrupted protein product. Loss-of-function variants in NDUFS1 are known to be pathogenic (PMID: 11349233, 22200994). This variant is not present in population databases (gnomAD no frequency). This variant has not been reported in the literature in individuals affected with NDUFS1-related conditions. For these reasons, this variant has been classified as Pathogenic.

Literature cited by the submitters: PubMed 11349233; PubMed 22200994.

NM_005006.7(NDUFS1):c.1589_1596del (p.Tyr530fs)

Gene: NDUFS1 (NADH:ubiquinone oxidoreductase core subunit S1; minus strand). Cytogenetic location: 2q33.3.
Variant type: Deletion.
Coding change: c.1589_1596del on transcript NM_005006.7 (MANE Select); coding-DNA positions 1589 to 1596, 8 bases deleted (ATAAGCCT; older notation c.1589_1596delATAAGCCT).
Protein change: p.Tyr530fs; shifts the reading frame from tyrosine 530.
Molecular consequence: frameshift variant.
Genome position (GRCh38, 1-based): chr2:206,130,200-206,130,207, AGGCTTAT deleted on the plus strand (ATAAGCCT on the coding strand, the reverse complement: NDUFS1 is on the minus strand); deleting any 8 consecutive bases within chr2:206,130,200-206,130,209 gives the same sequence; the c. name uses the placement nearest the transcript's 3' end. VCF-style (leftmost placement, unchanged base first): chr2-206130199-CAGGCTTAT-C. GRCh37 (hg19) VCF-style: chr2-206994923-CAGGCTTAT-C.
Other names: c.1481_1488del, p.Tyr494fs (NM_001199981.2); c.1256_1263del, p.Tyr419fs (NM_001199982.2); c.1418_1425del, p.Tyr473fs (NM_001199983.2); c.1631_1638del, p.Tyr544fs (NM_001199984.2); short protein forms Y494fs, Y473fs, Y419fs, Y530fs, Y544fs.
Identifiers: ClinVar variation 3681358 (VCV003681358.2), dbSNP rs1553503177.